The following is an entry in ClinVar:

ClinVar aggregate classification (germline): Pathogenic (1 of 4 stars; one submission).

Conditions:
VPS13A-related neurodegenerative disease. Also called: ACANTHOCYTOSIS WITH NEUROLOGIC DISORDER; LEVINE-CRITCHLEY SYNDROME; Choreoacanthocytosis; Chorea-acanthocytosis; Choreaacanthocytosis; VPS13A Disease. Identifiers: Orphanet 2388, MedGen C0393576, MONDO:0008695, OMIM 200150.

gnomAD v4.1: 5 of 1,612,218 alleles (0.00031%); highest among the groups gnomAD compares: Non-Finnish European, 0.00042%; no homozygotes.

Submission:

Myriad Genetics, Inc.
Classification: Pathogenic for VPS13A-related neurodegenerative disease. Last evaluated: 2024-05-14. Review status: criteria provided, single submitter. Criteria: Myriad Autosomal Dominant, Autosomal Recessive and X-Linked Classification Criteria (2023). Collection method: clinical testing. Allele origin: unknown.
Comment: NM_033305.2(VPS13A):c.3109A>T(K1037*) is expected to be pathogenic in the context of VPS13A disease. This variant is predicted to lead to an abnormal or absent protein product due to the creation of a premature termination codon in VPS13A, a gene where loss-of-function variants are known to be pathogenic. Please note: this variant was assessed in the context of healthy population screening.

NM_033305.3(VPS13A):c.3109A>T (p.Lys1037Ter)

Gene: VPS13A (vacuolar protein sorting 13 homolog A; plus strand). Cytogenetic location: 9q21.2.
Variant type: single nucleotide variant.
Coding change: c.3109A>T on transcript NM_033305.3 (MANE Select); coding-DNA position 3109, A replaced by T.
Protein change: p.Lys1037Ter; replaces lysine 1037 with a stop codon.
Molecular consequence: nonsense.
Genome position (GRCh38, 1-based): chr9:77,282,265, A>T. VCF-style: chr9-77282265-A-T. GRCh37 (hg19) VCF-style: chr9-79897181-A-T.
Other names: c.3109A>T, p.Lys1037Ter (NM_001018037.2, NM_001018038.3, NM_015186.4); short protein forms K1037*.
Identifiers: ClinVar variation 5011240 (VCV005011240.1).